The following is an entry in ClinVar:

NM_000384.3(APOB):c.7751G>C (p.Gly2584Ala)

Gene: APOB (apolipoprotein B; minus strand). Cytogenetic location: 2p24.1.
Variant type: single nucleotide variant.
Coding change: c.7751G>C on transcript NM_000384.3 (MANE Select); coding-DNA position 7751, G replaced by C.
Protein change: p.Gly2584Ala; replaces glycine 2584 with alanine.
Molecular consequence: missense variant.
Genome position (GRCh38, 1-based): chr2:21,009,117, C>G on the plus strand (G>C on the coding strand, the complement: APOB is on the minus strand). VCF-style: chr2-21009117-C-G. GRCh37 (hg19) VCF-style: chr2-21231989-C-G.
Other names: short protein forms G2584A.
Identifiers: ClinVar variation 2451311 (VCV002451311.2), dbSNP rs370426974, ClinGen allele CA345996215.

ClinVar aggregate classification (germline): Uncertain significance (1 of 4 stars; one submission).

Conditions:
Cardiovascular phenotype. Identifiers: MedGen CN230736.

gnomAD v4.1: 4 of 1,613,926 alleles (0.00025%); highest among the groups gnomAD compares: Non-Finnish European, 0.00034%; no homozygotes.

Submission:

Ambry Genetics
Classification: Uncertain significance for Cardiovascular phenotype. Last evaluated: 2023-01-16. Review status: criteria provided, single submitter. Criteria: Ambry Variant Classification Scheme 2023. Collection method: clinical testing. Allele origin: germline.
Comment: The p.G2584A variant (also known as c.7751G>C), located in coding exon 26 of the APOB gene, results from a G to C substitution at nucleotide position 7751. The glycine at codon 2584 is replaced by alanine, an amino acid with similar properties. This amino acid position is conserved. In addition, this alteration is predicted to be tolerated by in silico analysis. Since supporting evidence is limited at this time, the clinical significance of this alteration remains unclear.